The following is an entry in ClinVar:

NM_000138.5(FBN1):c.1562G>C (p.Ser521Thr)

Gene: FBN1 (fibrillin 1; minus strand). Cytogenetic location: 15q21.1.
Variant type: single nucleotide variant.
Coding change: c.1562G>C on transcript NM_000138.5 (MANE Select); coding-DNA position 1562, G replaced by C.
Protein change: p.Ser521Thr; replaces serine 521 with threonine.
Molecular consequence: missense variant.
Genome position (GRCh38, 1-based): chr15:48,513,575, C>G on the plus strand (G>C on the coding strand, the complement: FBN1 is on the minus strand). VCF-style: chr15-48513575-C-G. GRCh37 (hg19) VCF-style: chr15-48805772-C-G.
Other names: c.1562G>C, p.Ser521Thr (NM_001406716.1); short protein forms S521T.
Identifiers: ClinVar variation 3893810 (VCV003893810.1).

ClinVar aggregate classification (germline): Uncertain significance (1 of 4 stars; one submission).

Conditions:
Familial thoracic aortic aneurysm and aortic dissection (TAAD). Also called: Thoracic aortic aneurysms and dissections. Identifiers: Orphanet 91387, MedGen C4707243, MONDO:0019625.

Submission:

Color Diagnostics, LLC DBA Color Health
Classification: Uncertain significance for Familial thoracic aortic aneurysm and aortic dissection. Last evaluated: 2024-11-25. Review status: criteria provided, single submitter. Criteria: ACMG Guidelines, 2015. Collection method: clinical testing. Allele origin: germline.
Comment: This missense variant replaces serine with threonine at codon 521 of the FBN1 protein. Computational prediction suggests that this variant may not impact protein structure and function. To our knowledge, functional studies have not been reported for this variant. This variant has not been reported in individuals affected with FBN1-related disorders in the literature. This variant has not been identified in the general population by the Genome Aggregation Database (gnomAD). The available evidence is insufficient to determine the role of this variant in disease conclusively. Therefore, this variant is classified as a Variant of Uncertain Significance.